The following is an entry in ClinVar:

NM_000540.3(RYR1):c.7027+3G>A

Gene: RYR1 (ryanodine receptor 1; plus strand). Cytogenetic location: 19q13.2.
Variant type: single nucleotide variant.
Coding change: c.7027+3G>A on transcript NM_000540.3 (MANE Select); 3 bases into the intron after coding-DNA position 7027, G replaced by A.
Molecular consequence: intron variant.
Genome position (GRCh38, 1-based): chr19:38,499,246, G>A. VCF-style: chr19-38499246-G-A. GRCh37 (hg19) VCF-style: chr19-38989886-G-A.
Other names: c.7027+3G>A (NM_001042723.2).
Identifiers: ClinVar variation 4752079 (VCV004752079.1).

ClinVar aggregate classification (germline): Uncertain significance (1 of 4 stars; one submission).

Conditions:
RYR1-related disorder. Also called: RYR1-related condition; RYR1-related disorders. Identifiers: MedGen CN239331.

Submission:

Labcorp Genetics (formerly Invitae), Labcorp
Classification: Uncertain significance for RYR1-related disorder. Last evaluated: 2025-08-18. Review status: criteria provided, single submitter. Criteria: Invitae Variant Classification Sherloc (09022015). Collection method: clinical testing. Allele origin: germline.
Comment: This sequence change falls in intron 43 of the RYR1 gene. It does not directly change the encoded amino acid sequence of the RYR1 protein. It affects a nucleotide within the consensus splice site. This variant is not present in population databases (gnomAD no frequency). This variant has not been reported in the literature in individuals affected with RYR1-related conditions. Variants that disrupt the consensus splice site are a relatively common cause of aberrant splicing (PMID: 17576681, 9536098). Algorithms developed to predict the effect of sequence changes on RNA splicing suggest that this variant is not likely to affect RNA splicing. In summary, the available evidence is currently insufficient to determine the role of this variant in disease. Therefore, it has been classified as a Variant of Uncertain Significance.

Literature cited by the submitters: PubMed 17576681; PubMed 9536098.